The following is an entry in ClinVar:

ClinVar aggregate classification (germline): Uncertain significance (1 of 4 stars; one submission).

Submission:

Geisinger Autism and Developmental Medicine Institute, Geisinger Health System
Classification: Uncertain significance. Last evaluated: 2018-04-13. Review status: criteria provided, single submitter. Criteria: ACMG CNV Guidelines, 2011. Collection method: provider interpretation. Allele origin: maternal.
Comment: This deleted region contains three genes (RPS6KC1, VASH2, ANGEL2) that are not associated with any known clinical disorders. The clinical significance of this deletion remains unclear at this time.

NC_000001.11:g.212950566_213249878del

Genes: ANGEL2 (angel homolog 2; minus strand), RPS6KC1 (ribosomal protein S6 kinase C1; plus strand), VASH2 (vasohibin 2; plus strand), LOC112577542 (Sharpr-MPRA regulatory region 306; plus strand), LOC115804246 (CRISPRi-validated cis-regulatory element chr1.11646; plus strand) and 9 more. Cytogenetic location: 1q32.3.
Variant type: Deletion.
Identifiers: ClinVar variation 560151 (VCV000560151.4).